The following is an entry in ClinVar:

ClinVar aggregate classification (germline): Uncertain significance (1 of 4 stars; one submission).

Conditions:
Perlman syndrome (PRLMNS). Identifiers: Orphanet 2849, MedGen C0796113, MONDO:0009965, OMIM 267000.

Allele frequency attached by ClinVar (database versions not stated): gnomAD exomes below 0.00001.
gnomAD v4.1: 2 of 1,613,954 alleles (0.00012%); highest among the groups gnomAD compares: Non-Finnish European, 0.000085%; no homozygotes.

Submission:

Labcorp Genetics (formerly Invitae), Labcorp
Classification: Uncertain significance for Perlman syndrome. Last evaluated: 2023-08-04. Review status: criteria provided, single submitter. Criteria: Invitae Variant Classification Sherloc (09022015). Collection method: clinical testing. Allele origin: germline.
Comment: In summary, the available evidence is currently insufficient to determine the role of this variant in disease. Therefore, it has been classified as a Variant of Uncertain Significance. Algorithms developed to predict the effect of missense changes on protein structure and function output the following: SIFT: "Not Available"; PolyPhen-2: "Benign"; Align-GVGD: "Not Available". The asparagine amino acid residue is found in multiple mammalian species, which suggests that this missense change does not adversely affect protein function. ClinVar contains an entry for this variant (Variation ID: 2076471). This variant has not been reported in the literature in individuals affected with DIS3L2-related conditions. This variant is not present in population databases (gnomAD no frequency). This sequence change replaces aspartic acid, which is acidic and polar, with asparagine, which is neutral and polar, at codon 650 of the DIS3L2 protein (p.Asp650Asn).

NM_152383.5(DIS3L2):c.1948G>A (p.Asp650Asn)

Gene: DIS3L2 (DIS3 like 3'-5' exoribonuclease 2; plus strand). Cytogenetic location: 2q37.1.
Variant type: single nucleotide variant.
Coding change: c.1948G>A on transcript NM_152383.5 (MANE Select); coding-DNA position 1948, G replaced by A.
Protein change: p.Asp650Asn; replaces aspartic acid 650 with asparagine.
Molecular consequence: missense variant. On other transcripts: non-coding transcript variant (2), intron variant (1).
Genome position (GRCh38, 1-based): chr2:232,330,714, G>A. VCF-style: chr2-232330714-G-A. GRCh37 (hg19) VCF-style: chr2-233195424-G-A.
Other names: c.1582-12631G>A (NM_001257281.2); short protein forms D650N.
Identifiers: ClinVar variation 2076471 (VCV002076471.4), dbSNP rs2469436580, ClinGen allele CA350976553.
Genomic context (GRCh38, chr2:232,330,714, plus strand): 5'-CCACACGTCACATAGGTTTCTGGGATTTGCTTCTAGAAAAGCCTGACCCAAACATTTGGA[G>A]ATGACAAGTACTCACTGGCCCGCAAGGAGGTGCTCACCAACATGTGCTCCCGGCCCATGC-3'
Protein context (NP_689596.4, residues 640-660): LNKSLTQTFG[Asp650Asn]DKYSLARKEV